The following is an entry in ClinVar:

NM_002485.5(NBN):c.2107A>T (p.Ile703Phe)

Gene: NBN (nibrin; minus strand). Cytogenetic location: 8q21.3.
Variant type: single nucleotide variant.
Coding change: c.2107A>T on transcript NM_002485.5 (MANE Select); coding-DNA position 2107, A replaced by T.
Protein change: p.Ile703Phe; replaces isoleucine 703 with phenylalanine.
Molecular consequence: missense variant.
Genome position (GRCh38, 1-based): chr8:89,943,330, T>A on the plus strand (A>T on the coding strand, the complement: NBN is on the minus strand). VCF-style: chr8-89943330-T-A. GRCh37 (hg19) VCF-style: chr8-90955558-T-A.
Other names: c.1861A>T, p.Ile621Phe (NM_001024688.3); short protein forms I621F, I703F.
Identifiers: ClinVar variation 3222426 (VCV003222426.1), dbSNP rs942302974, ClinGen allele CA371675691.
Genomic context (GRCh38, chr8:89,943,330, plus strand): 5'-GCCACTCTTCTAGTTCTGTATTCTTTCGAGCATGATGAGCTATTAGATCTGATCCTCCAA[T>A]GATGTGTGGAAGTTTTCCTGCTCCAGGATATGTGACCTATTGAATAATAAAAGTAGTACA-3'
Protein context (NP_002476.2, residues 693-713): YPGAGKLPHI[Ile703Phe]GGSDLIAHHA

ClinVar aggregate classification (germline): Uncertain significance (1 of 4 stars; one submission).

Conditions:
Hereditary cancer-predisposing syndrome. Also called: Tumor predisposition; Hereditary neoplastic syndrome; Hereditary Cancer Syndrome; Neoplastic Syndromes, Hereditary. Identifiers: Orphanet 140162, MedGen C0027672, MeSH D009386, MONDO:0015356.

Submission:

Ambry Genetics
Classification: Uncertain significance for Hereditary cancer-predisposing syndrome. Last evaluated: 2024-03-09. Review status: criteria provided, single submitter. Criteria: Ambry Variant Classification Scheme 2023. Collection method: clinical testing. Allele origin: germline.
Comment: The p.I703F variant (also known as c.2107A>T), located in coding exon 14 of the NBN gene, results from an A to T substitution at nucleotide position 2107. The isoleucine at codon 703 is replaced by phenylalanine, an amino acid with highly similar properties. This amino acid position is conserved. In addition, this alteration is predicted to be deleterious by in silico analysis. Based on the available evidence, the clinical significance of this alteration remains unclear.